The following is an entry in ClinVar:

NM_022124.6(CDH23):c.9510+13C>T

Gene: CDH23 (cadherin related 23; plus strand). Cytogenetic location: 10q22.1.
Variant type: single nucleotide variant.
Coding change: c.9510+13C>T on transcript NM_022124.6 (MANE Select); 13 bases into the intron after coding-DNA position 9510, C replaced by T.
Molecular consequence: intron variant.
Genome position (GRCh38, 1-based): chr10:71,812,622, C>T. VCF-style: chr10-71812622-C-T. GRCh37 (hg19) VCF-style: chr10-73572379-C-T.
Other names: c.2790+13C>T (NM_001171933.1, NM_001171934.1); c.201+13C>T (NM_001171935.1, NM_001171936.1).
Identifiers: ClinVar variation 178843 (VCV000178843.49), dbSNP rs183692794, ClinGen allele CA183141.

ClinVar aggregate classification (germline): Benign/Likely benign. Review status: criteria provided, multiple submitters, no conflicts (2 of 4 stars). 11 submissions from 9 submitters: Benign (7); Likely benign (3). 1 of the submissions does not count toward it. Last evaluated 2026-05-01.

Conditions:
Usher syndrome type 1 (USH1). Also called: RETINITIS PIGMENTOSA AND CONGENITAL DEAFNESS. Identifiers: Orphanet 231169, Orphanet 886, MedGen C1568247, MONDO:0010168, OMIM 276900.
Autosomal recessive nonsyndromic hearing loss 12. Also called: DEAFNESS, AUTOSOMAL RECESSIVE 12. Identifiers: Orphanet 90636, MedGen C1832394, MONDO:0011067, OMIM 601386.
Usher syndrome type 1D (USH1D). Also called: USHER SYNDROME, TYPE ID. Identifiers: Orphanet 231169, Orphanet 886, MedGen C1832845, MONDO:0010984, OMIM 601067.

Allele frequency attached by ClinVar (database versions not stated): gnomAD exomes 0.00138 and 0.00278; ExAC 0.00300; TOPMed 0.00361; gnomAD 0.00379 and 0.00399; 1000 Genomes Project 30x 0.00625; 1000 Genomes Project 0.00679.
gnomAD v4.1: 2,696 of 1,613,528 alleles (0.17%); highest among the groups gnomAD compares: African/African-American, 1.1%; 27 homozygotes.

Submissions (15):

CeGaT Center for Human Genetics Tuebingen
Classification: Benign. Last evaluated: 2026-05-01. Review status: criteria provided, single submitter. Criteria: CeGaT Center For Human Genetics Tuebingen Variant Classification Criteria Version 2. Collection method: clinical testing. Allele origin: germline. Affected: yes. Observed: 4 variant alleles.
Comment: CDH23: PP3, BS1, BS2

Labcorp Genetics (formerly Invitae), Labcorp
Classification: Benign. Last evaluated: 2026-02-01. Review status: criteria provided, single submitter. Criteria: Invitae Variant Classification Sherloc (09022015). Collection method: clinical testing. Allele origin: germline.

Genomic Medicine Center of Excellence, King Faisal Specialist Hospital and Research Centre
Classification: Likely benign. Last evaluated: 2025-08-18. Review status: criteria provided, single submitter. Criteria: ACMG Guidelines, 2015. Collection method: clinical testing. Allele origin: germline.

Genome-Nilou Lab
Classification: Benign for Usher syndrome type 1D. Last evaluated: 2021-07-01. Review status: criteria provided, single submitter. Criteria: ACMG Guidelines, 2015. Collection method: clinical testing. Allele origin: germline. Affected: no.

Genome-Nilou Lab
Classification: Benign for Autosomal recessive nonsyndromic hearing loss 12. Last evaluated: 2021-07-01. Review status: criteria provided, single submitter. Criteria: ACMG Guidelines, 2015. Collection method: clinical testing. Allele origin: germline. Affected: no.

Illumina Laboratory Services, Illumina
Classification: Likely benign for Autosomal recessive nonsyndromic hearing loss 12. Last evaluated: 2017-04-27. Review status: criteria provided, single submitter. Criteria: ICSL Variant Classification Criteria 13 December 2019. Collection method: clinical testing. Allele origin: germline.
Comment: This variant was observed as part of a predisposition screen in an ostensibly healthy population. A literature search was performed for the gene, cDNA change, and amino acid change (where applicable). No publications were found based on this search. Allele frequency data from public databases allowed determination this variant is unlikely to cause disease. Therefore, this variant is classified as likely benign.

Illumina Laboratory Services, Illumina
Classification: Benign for Usher syndrome type 1D. Last evaluated: 2017-04-27. Review status: criteria provided, single submitter. Criteria: ICSL Variant Classification Criteria 13 December 2019. Collection method: clinical testing. Allele origin: germline.
Comment: This variant was observed as part of a predisposition screen in an ostensibly healthy population. A literature search was performed for the gene, cDNA change, and amino acid change (where applicable). No publications were found based on this search. Allele frequency data from public databases was too high to be consistent with this variant causing disease. Therefore, this variant is classified as benign.

Laboratory for Molecular Medicine, Mass General Brigham Personalized Medicine
Classification: Benign. Last evaluated: 2013-04-04. Review status: criteria provided, single submitter. Criteria: LMM Criteria. Collection method: clinical testing. Allele origin: germline. Observed: 13 variant alleles.
Comment: The 9510+13C>T variant in intron 67 of CDH23: This variant is not expected to ha ve clinical significance because it has been identified in 8% (16/192) of Africa n chromosomes by the 1000 Genome Project (dbSNP rs183692794).

Breakthrough Genomics
Classification: Likely benign. Review status: criteria provided, single submitter. Criteria: ACMG Guidelines, 2015. Collection method: not provided. Allele origin: germline. Inheritance: Autosomal recessive inheritance. Affected: yes.

PreventionGenetics, part of Exact Sciences
Classification: Benign. Review status: criteria provided, single submitter. Criteria: ACMG Guidelines, 2015. Collection method: clinical testing. Allele origin: germline.

Natera, Inc.
Classification: Benign for Usher syndrome type 1. Last evaluated: 2020-09-16. Review status: no assertion criteria provided. Collection method: clinical testing. Allele origin: germline. Not counted in ClinVar's aggregate classification.

Dr. Peter K. Rogan Lab, Western University
No classification provided (evidence only). Condition: Familial cancer of breast. Review status: no classification provided. Collection method: in vitro. Allele origin: not applicable. Functional consequence: retained intron. Not counted in ClinVar's aggregate classification.

Dr. Peter K. Rogan Lab, Western University
No classification provided (evidence only). Condition: Uterine corpus endometrial carcinoma. Review status: no classification provided. Collection method: in vitro. Allele origin: not applicable. Functional consequence: retained intron. Not counted in ClinVar's aggregate classification.

Dr. Peter K. Rogan Lab, Western University
No classification provided (evidence only). Condition: Malignant tumor of esophagus. Review status: no classification provided. Collection method: in vitro. Allele origin: not applicable. Functional consequence: retained intron. Not counted in ClinVar's aggregate classification.

Dr. Peter K. Rogan Lab, Western University
No classification provided (evidence only). Condition: Malignant tumor of esophagus. Review status: no classification provided. Collection method: in vitro. Allele origin: not applicable. Functional consequence: retained intron. Not counted in ClinVar's aggregate classification.